The following is an entry in ClinVar:

ClinVar aggregate classification (germline): Likely pathogenic. Review status: criteria provided, multiple submitters, no conflicts (2 of 4 stars). 2 submissions from 2 submitters: Likely pathogenic (2). Last evaluated 2025-09-16.

Conditions:
CREBBP-related disorder. Also called: CREBBP-related disorders; CREBBP-related condition.
Rubinstein-Taybi syndrome due to CREBBP mutations (RSTS1). Also called: RUBINSTEIN SYNDROME; RUBINSTEIN-TAYBI SYNDROME 1, INCOMPLETE; Rubinstein-Taybi syndrome 1; CREBBP-Related Rubinstein-Taybi Syndrome; BROAD THUMB-HALLUX SYNDROME; BROAD THUMBS AND GREAT TOES, CHARACTERISTIC FACIES, AND IMPAIRED INTELLECTUAL DEVELOPMENT. Identifiers: Orphanet 353277, Orphanet 783, MedGen C4551859, MONDO:0008393, OMIM 180849.

Submissions (2):

3billion
Classification: Likely pathogenic for CREBBP-related disorder. Last evaluated: 2025-09-16. Review status: criteria provided, single submitter. Criteria: ACMG Guidelines, 2015. Collection method: clinical testing. Allele origin: germline. Affected: yes.
Comment: The variant is not observed in the gnomAD v4.1.0 dataset. Predicted Consequence/Location: Missense variant In silico tool predictions suggest damaging effect of the variant on gene or gene product [REVEL: 0.96 (>=0.6, sensitivity 0.68 and specificity 0.92); 3Cnet: 0.99 (> 0.75, sensitivity 0.96 and precision 0.92)]. The same nucleotide change resulting in the same amino acid change has been previously reported to be associated with CREBBP-related disorder (ClinVar ID: VCV000973292). The variant has been previously reported as assumed (i.e. paternity and maternity not confirmed) de novo in at least one similarly affected unrelated individual (3billion dataset). Therefore, this variant is classified as Likely pathogenic according to the recommendation of ACMG/AMP guideline.

Illumina Laboratory Services, Illumina
Classification: Likely pathogenic for Rubinstein-Taybi syndrome due to CREBBP mutations. Last evaluated: 2020-03-02. Review status: criteria provided, single submitter. Criteria: ICSLVariantClassificationCriteria RUGD 01 April 2020. Collection method: clinical testing. Allele origin: unknown.
Comment: The CREBBP c.1823T>C (p.Leu608Pro) variant is a missense variant. A literature search was performed for the gene, cDNA change and amino acid change. No publications were found based on this search. This variant is not found in the Genome Aggregation Database in an area of good sequence coverage and is therefore presumed to be rare. The Leu608 residue is located in the KIX domain of CREBBP, a binding site for transcriptional activators (Wood et al. 2016). Based on the de novo origin of the variant and its rarity, the p.Leu608Pro variant is classified as likely pathogenic for Rubinstein-Taybi syndrome.

Literature cited by the submitters: PubMed 16980541 (cited by Illumina Laboratory Services, Illumina).

NM_004380.3(CREBBP):c.1823T>C (p.Leu608Pro)

Gene: CREBBP (CREB binding lysine acetyltransferase; minus strand). Cytogenetic location: 16p13.3.
Variant type: single nucleotide variant.
Coding change: c.1823T>C on transcript NM_004380.3 (MANE Select); coding-DNA position 1823, T replaced by C.
Protein change: p.Leu608Pro; replaces leucine 608 with proline.
Molecular consequence: missense variant.
Genome position (GRCh38, 1-based): chr16:3,780,732, A>G on the plus strand (T>C on the coding strand, the complement: CREBBP is on the minus strand). VCF-style: chr16-3780732-A-G. GRCh37 (hg19) VCF-style: chr16-3830733-A-G.
Other names: c.1709T>C, p.Leu570Pro (NM_001079846.1); short protein forms L570P, L608P.
Identifiers: ClinVar variation 973292 (VCV000973292.5), dbSNP rs2053254528, ClinGen allele CA394556274.
Genomic context (GRCh38, chr16:3,780,732, plus strand): 5'-GCCAATGGGCAACACAGGAATAAAATCAAACATCTATGAAACTGCAAAACTGTTACGTAC[A>G]GTTTATGCACTAGATGGCTCCGCAGGTCCTGAGTGACATGTTCGTGCCAGCCTTTCCTTA-3'
Protein context (NP_004371.2, residues 598-618): QDLRSHLVHK[Leu608Pro]VQAIFPTPDP